The following is an entry in ClinVar:

ClinVar aggregate classification (germline): Uncertain significance (1 of 4 stars; one submission).

Conditions:
Inborn genetic diseases. Identifiers: MedGen C0950123, MeSH D030342.

Allele frequency attached by ClinVar (database versions not stated): gnomAD exomes below 0.00001.
gnomAD v4.1: 1 of 1,613,448 alleles (0.000062%); highest among the groups gnomAD compares: Non-Finnish European, 0.000085%; no homozygotes.

Submission:

Ambry Genetics
Classification: Uncertain significance for Inborn genetic diseases. Last evaluated: 2020-11-05. Review status: criteria provided, single submitter. Criteria: Ambry Variant Classification Scheme 2023. Collection method: clinical testing. Allele origin: germline.
Comment: The c.1510G>A (p.G504R) alteration is located in exon 12 (coding exon 12) of the DNAJC6 gene. This alteration results from a G to A substitution at nucleotide position 1510, causing the glycine (G) at amino acid position 504 to be replaced by an arginine (R). Based on data from the Genome Aggregation Database (gnomAD), the DNAJC6 c.1510G>A alteration was not observed, with coverage at this position. This amino acid position is well conserved in available vertebrate species. The in silico prediction for the p.G504R alteration is inconclusive. Based on insufficient or conflicting evidence, the clinical significance of this alteration remains unclear.

NM_001256864.2(DNAJC6):c.1681G>A (p.Gly561Arg)

Gene: DNAJC6 (DnaJ heat shock protein family (Hsp40) member C6; plus strand). Cytogenetic location: 1p31.3.
Variant type: single nucleotide variant.
Coding change: c.1681G>A on transcript NM_001256864.2 (MANE Select); coding-DNA position 1681, G replaced by A.
Protein change: p.Gly561Arg; replaces glycine 561 with arginine.
Molecular consequence: missense variant.
Genome position (GRCh38, 1-based): chr1:65,392,643, G>A. VCF-style: chr1-65392643-G-A. GRCh37 (hg19) VCF-style: chr1-65858326-G-A.
Other names: c.1471G>A, p.Gly491Arg (NM_001256865.2); c.1510G>A, p.Gly504Arg (NM_014787.4); short protein forms G491R, G561R, G504R.
Identifiers: ClinVar variation 2227914 (VCV002227914.2), dbSNP rs2525292339, ClinGen allele CA340688700.
Genomic context (GRCh38, chr1:65,392,643, plus strand): 5'-AAGCAGCAGGAGCCAGCAGCCCCTCCACCCCCTGAGGATGTGGACCTTTTGGGCCTGGAA[G>A]GGTCTGCAATGAGTAACAGCTTCTCTCCGCCAGCGGCTCCTCCCACCAATTCTGAACTAC-3'
Protein context (NP_001243793.1, residues 551-571): PEDVDLLGLE[Gly561Arg]SAMSNSFSPP